The following is an entry in ClinVar:

ClinVar aggregate classification (germline): Uncertain significance (1 of 4 stars; one submission).

Allele frequency attached by ClinVar (database versions not stated): gnomAD exomes below 0.00001.
gnomAD v4.1: 1 of 1,614,168 alleles (0.000062%); highest among the groups gnomAD compares: Non-Finnish European, 0.000085%; no homozygotes.

Submission:

Labcorp Genetics (formerly Invitae), Labcorp
Classification: Uncertain significance. Last evaluated: 2023-11-01. Review status: criteria provided, single submitter. Criteria: Invitae Variant Classification Sherloc (09022015). Collection method: clinical testing. Allele origin: germline.
Comment: This sequence change replaces glycine, which is neutral and non-polar, with aspartic acid, which is acidic and polar, at codon 136 of the SLC7A14 protein (p.Gly136Asp). This variant is not present in population databases (gnomAD no frequency). This variant has not been reported in the literature in individuals affected with SLC7A14-related conditions. An algorithm developed to predict the effect of missense changes on protein structure and function (PolyPhen-2) suggests that this variant is likely to be disruptive. In summary, the available evidence is currently insufficient to determine the role of this variant in disease. Therefore, it has been classified as a Variant of Uncertain Significance.

NM_020949.3(SLC7A14):c.407G>A (p.Gly136Asp)

Genes: SLC7A14 (solute carrier family 7 member 14; minus strand), SLC7A14-AS1 (SLC7A14 antisense RNA 1; plus strand). Cytogenetic location: 3q26.2.
Variant type: single nucleotide variant.
Coding change: c.407G>A on transcript NM_020949.3 (MANE Select); coding-DNA position 407, G replaced by A.
Protein change: p.Gly136Asp; replaces glycine 136 with aspartic acid.
Molecular consequence: missense variant.
Genome position (GRCh38, 1-based): chr3:170,501,243, C>T on the plus strand (G>A on the coding strand, the complement: SLC7A14 is on the minus strand). VCF-style: chr3-170501243-C-T. GRCh37 (hg19) VCF-style: chr3-170219032-C-T.
Other names: short protein forms G136D.
Identifiers: ClinVar variation 2771356 (VCV002771356.3), dbSNP rs1263901598, ClinGen allele CA355517265.